The following is an entry in ClinVar:

ClinVar aggregate classification (germline): Uncertain significance. Review status: criteria provided, multiple submitters, no conflicts (2 of 4 stars). 3 submissions from 3 submitters: Uncertain significance (3). Last evaluated 2025-01-07.

Conditions:
RYR1-related disorder. Also called: RYR1-related condition; RYR1-related disorders. Identifiers: MedGen CN239331.
Malignant hyperthermia, susceptibility to, 1 (MHS1). Also called: Anesthesia related hyperthermia; Malignant hyperpyrexia; Fulminating hyperpyrexia; Pharmacogenic myopathy; Malignant hyperthermia suceptibility 1; RYR1-Related Malignant Hyperthermia Susceptibility. Identifiers: Orphanet 423, MedGen C2930980, MONDO:0007783, OMIM 145600.

Allele frequency attached by ClinVar (database versions not stated): gnomAD 0.00002; TOPMed 0.00002.
gnomAD v4.1: 23 of 1,613,988 alleles (0.0014%); highest among the groups gnomAD compares: African/African-American, 0.0053%; no homozygotes.

Submissions (3):

Labcorp Genetics (formerly Invitae), Labcorp
Classification: Uncertain significance for RYR1-related disorder. Last evaluated: 2025-01-07. Review status: criteria provided, single submitter. Criteria: Invitae Variant Classification Sherloc (09022015). Collection method: clinical testing. Allele origin: germline.
Comment: This sequence change replaces arginine, which is basic and polar, with tryptophan, which is neutral and slightly polar, at codon 2738 of the RYR1 protein (p.Arg2738Trp). This variant is present in population databases (no rsID available, gnomAD 0.01%). This variant has not been reported in the literature in individuals affected with RYR1-related conditions. ClinVar contains an entry for this variant (Variation ID: 478286). Invitae Evidence Modeling of protein sequence and biophysical properties (such as structural, functional, and spatial information, amino acid conservation, physicochemical variation, residue mobility, and thermodynamic stability) indicates that this missense variant is not expected to disrupt RYR1 protein function with a negative predictive value of 80%. In summary, the available evidence is currently insufficient to determine the role of this variant in disease. Therefore, it has been classified as a Variant of Uncertain Significance.

Color Diagnostics, LLC DBA Color Health
Classification: Uncertain significance for Malignant hyperthermia, susceptibility to, 1. Last evaluated: 2024-05-21. Review status: criteria provided, single submitter. Criteria: ACMG Guidelines, 2015. Collection method: clinical testing. Allele origin: germline.
Comment: This missense variant replaces arginine with tryptophan at codon 2738 of the RYR1 protein. Computational prediction is inconclusive regarding the impact of this variant on protein structure and function. To our knowledge, functional studies have not been reported for this variant. This variant has not been reported in individuals affected with RYR1-related disorders in the literature. This variant has been identified in 5/251446 chromosomes in the general population by the Genome Aggregation Database (gnomAD). The available evidence is insufficient to determine the role of this variant in disease conclusively. Therefore, this variant is classified as a Variant of Uncertain Significance.

GeneDx
Classification: Uncertain significance. Last evaluated: 2019-12-05. Review status: criteria provided, single submitter. Criteria: GeneDx Variant Classification Process June 2021. Collection method: clinical testing. Allele origin: germline. Affected: yes.
Comment: Not observed at a significant frequency in large population cohorts (Lek et al., 2016); In silico analysis, which includes protein predictors and evolutionary conservation, supports a deleterious effect; Has not been previously published as pathogenic or benign to our knowledge

NM_000540.3(RYR1):c.8212C>T (p.Arg2738Trp)

Gene: RYR1 (ryanodine receptor 1; plus strand). Cytogenetic location: 19q13.2.
Variant type: single nucleotide variant.
Coding change: c.8212C>T on transcript NM_000540.3 (MANE Select); coding-DNA position 8212, C replaced by T.
Protein change: p.Arg2738Trp; replaces arginine 2738 with tryptophan.
Molecular consequence: missense variant.
Genome position (GRCh38, 1-based): chr19:38,504,892, C>T. VCF-style: chr19-38504892-C-T. GRCh37 (hg19) VCF-style: chr19-38995532-C-T.
Other names: c.8212C>T, p.Arg2738Trp (NM_001042723.2); short protein forms R2738W.
Identifiers: ClinVar variation 478286 (VCV000478286.11), dbSNP rs772766489, ClinGen allele CA308116487.